The following is an entry in ClinVar:

ClinVar aggregate classification (germline): Uncertain significance (1 of 4 stars; one submission).

Conditions:
Cardiovascular phenotype. Identifiers: MedGen CN230736.

gnomAD v4.1: 1 of 1,613,910 alleles (0.000062%); highest among the groups gnomAD compares: Non-Finnish European, 0.000085%; no homozygotes.

Submission:

Ambry Genetics
Classification: Uncertain significance for Cardiovascular phenotype. Last evaluated: 2026-06-17. Review status: criteria provided, single submitter. Criteria: Ambry Variant Classification Scheme 2023. Collection method: clinical testing. Allele origin: germline.
Comment: The p.G480R variant (also known as c.1438G>A), located in coding exon 11 of the APOB gene, results from a G to A substitution at nucleotide position 1438. The glycine at codon 480 is replaced by arginine, an amino acid with dissimilar properties. This amino acid position is well conserved in available vertebrate species. In addition, this alteration is predicted to be tolerated by in silico analysis. Based on the available evidence, the clinical significance of this variant remains unclear.

NM_000384.3(APOB):c.1438G>A (p.Gly480Arg)

Gene: APOB (apolipoprotein B; minus strand). Cytogenetic location: 2p24.1.
Variant type: single nucleotide variant.
Coding change: c.1438G>A on transcript NM_000384.3 (MANE Select); coding-DNA position 1438, G replaced by A.
Protein change: p.Gly480Arg; replaces glycine 480 with arginine.
Molecular consequence: missense variant.
Genome position (GRCh38, 1-based): chr2:21,029,930, C>T on the plus strand (G>A on the coding strand, the complement: APOB is on the minus strand). VCF-style: chr2-21029930-C-T. GRCh37 (hg19) VCF-style: chr2-21252802-C-T.
Other names: short protein forms G480R.
Identifiers: ClinVar variation 5026884 (VCV005026884.1).
Genomic context (GRCh38, chr2:21,029,930, plus strand): 5'-TGTATGTCATATAAAAGACTGAGATTACCCGCAGAATCAAATAGGTGTAATCTTCATCCC[C>T]AGTGCAGTCATCTTGAATCTGTTCCATCAGGTAATTAGCAATGTCCAGCAGCTCCTGGGT-3'
Protein context (NP_000375.3, residues 470-490): LMEQIQDDCT[Gly480Arg]DEDYTYLILR